The following is an entry in ClinVar:

NM_032730.5(RTN4IP1):c.426+5G>T

Gene: RTN4IP1 (reticulon 4 interacting protein 1; minus strand). Cytogenetic location: 6q21.
Variant type: single nucleotide variant.
Coding change: c.426+5G>T on transcript NM_032730.5 (MANE Select); 5 bases into the intron after coding-DNA position 426, G replaced by T.
Molecular consequence: intron variant.
Genome position (GRCh38, 1-based): chr6:106,622,813, C>A on the plus strand (G>T on the coding strand, the complement: RTN4IP1 is on the minus strand). VCF-style: chr6-106622813-C-A. GRCh37 (hg19) VCF-style: chr6-107070688-C-A.
Other names: c.126+5G>T (NM_001318746.1).
Identifiers: ClinVar variation 1309155 (VCV001309155.6), dbSNP rs371492197, ClinGen allele CA144996591.
Genomic context (GRCh38, chr6:106,622,813, plus strand): 5'-ATCCGTCGCTGGATCAGGGTCTGTGGGTTGGATCCCCGCAGGAATAGTGGCATTCCCTAA[C>A]TCACCTCATCTCCAGGCTTGAAGTATTTCACATCAAGCCCACATTCCATCACCACGCCAG-3'

ClinVar aggregate classification (germline): Uncertain significance. Review status: criteria provided, multiple submitters, no conflicts (2 of 4 stars). 2 submissions from 2 submitters: Uncertain significance (2). Last evaluated 2021-11-27.

Allele frequency attached by ClinVar (database versions not stated): gnomAD exomes below 0.00001; TOPMed 0.00002; ESP Exome Variant Server 0.00008.

Submissions (2):

Labcorp Genetics (formerly Invitae), Labcorp
Classification: Uncertain significance. Last evaluated: 2021-11-27. Review status: criteria provided, single submitter. Criteria: Invitae Variant Classification Sherloc (09022015). Collection method: clinical testing. Allele origin: germline.
Comment: Variants that disrupt the consensus splice site are a relatively common cause of aberrant splicing (PMID: 17576681, 9536098). Algorithms developed to predict the effect of sequence changes on RNA splicing suggest that this variant may disrupt the consensus splice site. In summary, the available evidence is currently insufficient to determine the role of this variant in disease. Therefore, it has been classified as a Variant of Uncertain Significance. ClinVar contains an entry for this variant (Variation ID: 1309155). This variant has been observed in individual(s) with optic atrophy (PMID: 33841295). The frequency data for this variant in the population databases is considered unreliable, as metrics indicate poor data quality at this position in the gnomAD database. This sequence change falls in intron 2 of the RTN4IP1 gene. It does not directly change the encoded amino acid sequence of the RTN4IP1 protein. It affects a nucleotide within the consensus splice site.

GeneDx
Classification: Uncertain significance. Last evaluated: 2019-10-17. Review status: criteria provided, single submitter. Criteria: GeneDx Variant Classification Process June 2021. Collection method: clinical testing. Allele origin: germline. Affected: yes.
Comment: Not observed at a significant frequency in large population cohorts (Lek et al., 2016); In-silico analysis, which includes splice predictors and evolutionary conservation, is inconclusive as to whether the variant alters gene splicing. In the absence of RNA/functional studies, the actual effect of this sequence change is unknown.; Has not been previously published as pathogenic or benign to our knowledge

Literature cited by the submitters: PubMed 17576681 (cited by Labcorp Genetics (formerly Invitae), Labcorp); PubMed 9536098 (cited by Labcorp Genetics (formerly Invitae), Labcorp); PubMed 33841295 (cited by Labcorp Genetics (formerly Invitae), Labcorp).